The following is an entry in ClinVar:

ClinVar aggregate classification (germline): Uncertain significance (1 of 4 stars; one submission).

Submission:

Ambry Genetics
Classification: Uncertain significance. Last evaluated: 2025-08-10. Review status: criteria provided, single submitter. Criteria: Ambry Variant Classification Scheme 2023. Collection method: clinical testing. Allele origin: germline.
Comment: The p.P113L variant (also known as c.338C>T), located in coding exon 1 of the PALLD gene, results from a C to T substitution at nucleotide position 338. The proline at codon 113 is replaced by leucine, an amino acid with similar properties. This amino acid position is conserved. In addition, this alteration is predicted to be tolerated by in silico analysis. Based on the available evidence, the clinical significance of this variant remains unclear.

NM_001166108.2(PALLD):c.1965-12693C>T

Gene: PALLD (palladin, cytoskeletal associated protein; plus strand). Cytogenetic location: 4q32.3.
Variant type: single nucleotide variant.
Coding change: c.1965-12693C>T on transcript NM_001166108.2 (MANE Select); 12693 bases into the intron before coding-DNA position 1965, C replaced by T.
Molecular consequence: intron variant. On other transcripts: missense variant (1).
Genome position (GRCh38, 1-based): chr4:168,878,229, C>T. VCF-style: chr4-168878229-C-T. GRCh37 (hg19) VCF-style: chr4-169799380-C-T.
Other names: c.338C>T, p.Pro113Leu (NM_001166110.2); c.1965-12693C>T (NM_016081.4); c.819-12693C>T (NM_001166109.2); c.-157-12693C>T (NM_001367570.1, NM_001367568.1, NM_001367567.1 and 1 more transcripts); short protein forms P113L.
Identifiers: ClinVar variation 4130433 (VCV004130433.1).
Genomic context (GRCh38, chr4:168,878,229, plus strand): 5'-CCCCGGTCTTCAGCCCCACGGCTGCCTTCCCGGTGCCCGACGTGTTCCCACTGCCGCCGC[C>T]ACCACCGCCGCTCCCGAGCCCGGGACAGGCGTCCCACTGCTCGTCGCCTGCCACCCGCTT-3'